The following is an entry in ClinVar:

NM_015271.5(TRIM2):c.1591G>A (p.Asp531Asn)

Gene: TRIM2 (tripartite motif containing 2; plus strand). Cytogenetic location: 4q31.3.
Variant type: single nucleotide variant.
Coding change: c.1591G>A on transcript NM_015271.5 (MANE Select); coding-DNA position 1591, G replaced by A.
Protein change: p.Asp531Asn; replaces aspartic acid 531 with asparagine.
Molecular consequence: missense variant.
Genome position (GRCh38, 1-based): chr4:153,315,565, G>A. VCF-style: chr4-153315565-G-A. GRCh37 (hg19) VCF-style: chr4-154236717-G-A.
Other names: c.1510G>A, p.Asp504Asn (NM_001130067.2, NM_001351056.2, NM_001375512.1 and 5 more transcripts); c.1564G>A, p.Asp522Asn (NM_001351054.2); c.1561G>A, p.Asp521Asn (NM_001351055.2); c.1135G>A, p.Asp379Asn (NM_001351057.2); c.1684G>A, p.Asp562Asn (NM_001375488.1); c.1681G>A, p.Asp561Asn (NM_001375489.1); c.1534G>A, p.Asp512Asn (NM_001375490.1); c.1531G>A, p.Asp511Asn (NM_001375491.1); and 3 more; short protein forms D418N, D419N, D504N, D561N, D511N, D512N, D522N, D562N.
Identifiers: ClinVar variation 1476072 (VCV001476072.6), dbSNP rs2149526920, ClinGen allele CA358467864.
Genomic context (GRCh38, chr4:153,315,565, plus strand): 5'-GGAGAGTTTACAAATCTTCAGGGGGTAGCTGCATCTACAAATGGAAAGATATTAATTGCA[G>A]ACAGTAACAACCAATGTGTGCAGGTATAGCCCCTAATTATATACCTTTAACTACTTATAT-3'
Protein context (NP_056086.2, residues 521-541): ASTNGKILIA[Asp531Asn]SNNQCVQIFS

ClinVar aggregate classification (germline): Uncertain significance (1 of 4 stars; one submission).

Conditions:
Charcot-Marie-Tooth disease type 2R. Also called: CHARCOT-MARIE-TOOTH DISEASE, AXONAL, AUTOSOMAL RECESSIVE, TYPE 2R; Charcot-Marie-Tooth disease, axonal, type 2R; CHARCOT-MARIE-TOOTH NEUROPATHY, TYPE 2R. Identifiers: Orphanet 397968, MedGen C3809655, MONDO:0014208, OMIM 615490.

Submission:

Labcorp Genetics (formerly Invitae), Labcorp
Classification: Uncertain significance for Charcot-Marie-Tooth disease type 2R. Last evaluated: 2021-10-19. Review status: criteria provided, single submitter. Criteria: Invitae Variant Classification Sherloc (09022015). Collection method: clinical testing. Allele origin: germline.
Comment: This sequence change replaces aspartic acid with asparagine at codon 504 of the TRIM2 protein (p.Asp504Asn). The aspartic acid residue is highly conserved and there is a small physicochemical difference between aspartic acid and asparagine. This variant is not present in population databases (ExAC no frequency). In summary, the available evidence is currently insufficient to determine the role of this variant in disease. Therefore, it has been classified as a Variant of Uncertain Significance. Algorithms developed to predict the effect of missense changes on protein structure and function are either unavailable or do not agree on the potential impact of this missense change (SIFT: "Deleterious"; PolyPhen-2: "Probably Damaging"; Align-GVGD: "Class C0"). This variant has not been reported in the literature in individuals affected with TRIM2-related conditions.